The following is an entry in ClinVar:

ClinVar aggregate classification (germline): Uncertain significance. Review status: criteria provided, multiple submitters, no conflicts (2 of 4 stars). 2 submissions from 2 submitters: Uncertain significance (2). Last evaluated 2025-05-08.

Conditions:
Inborn genetic diseases. Identifiers: MedGen C0950123, MeSH D030342.
STUB1-related disorder. Also called: STUB1-related condition.

Submissions (2):

PreventionGenetics, part of Exact Sciences
Classification: Uncertain significance for STUB1-related condition. Last evaluated: 2025-05-08. Review status: criteria provided, single submitter. Criteria: ACMG Guidelines, 2015. Collection method: clinical testing. Allele origin: germline.
Comment: The STUB1 c.614A>T variant is predicted to result in the amino acid substitution p.Asp205Val. To our knowledge, this variant has not been reported in the literature. This variant is reported in 0.011% of alleles in individuals of African descent in gnomAD. At this time, the clinical significance of this variant is uncertain due to the absence of conclusive functional and genetic evidence.

Ambry Genetics
Classification: Uncertain significance for Inborn genetic diseases. Last evaluated: 2025-04-29. Review status: criteria provided, single submitter. Criteria: Ambry Variant Classification Scheme 2023. Collection method: clinical testing. Allele origin: germline.

NM_005861.4(STUB1):c.614A>T (p.Asp205Val)

Genes: JMJD8 (jumonji domain containing 8; minus strand), STUB1 (STIP1 homology and U-box containing protein 1; plus strand). Cytogenetic location: 16p13.3.
Variant type: single nucleotide variant.
Coding change: c.614A>T on transcript NM_005861.4 (MANE Select); coding-DNA position 614, A replaced by T.
Protein change: p.Asp205Val; replaces aspartic acid 205 with valine.
Molecular consequence: missense variant. On other transcripts: 3 prime UTR variant (5), non-coding transcript variant (3).
Genome position (GRCh38, 1-based): chr16:682,021, A>T. VCF-style: chr16-682021-A-T. GRCh37 (hg19) VCF-style: chr16-732021-A-T.
Other names: c.614A>T (NM_005861.3); c.398A>T, p.Asp133Val (NM_001293197.2); c.*773T>A (NM_001005920.4, NM_001323919.3, NM_001323920.3); c.*807T>A (NM_001323918.3, NM_001323922.3); short protein forms D133V, D205V.
Identifiers: ClinVar variation 3963656 (VCV003963656.2).
Genomic context (GRCh38, chr16:682,021, plus strand): 5'-GCCCCATGGAGGAGGGAGGTGGGGTGTCTCCCCCAAGCACAGCACTCAACTCTTCACAGG[A>T]CAAGTACATGGCGGACATGGACGAGCTTTTTTCTCAGGTGGATGAGAAGAGGAAGGTGAG-3'
Protein context (NP_005852.2, residues 195-215): AQQACIEAKH[Asp205Val]KYMADMDELF